The following is an entry in ClinVar:

NM_001379029.1(CERT1):c.1287A>G (p.Val429=)

Gene: CERT1 (ceramide transporter 1; minus strand). Cytogenetic location: 5q13.3.
Variant type: single nucleotide variant.
Coding change: c.1287A>G on transcript NM_001379029.1 (MANE Select); coding-DNA position 1287, A replaced by G.
Protein change: p.Val429=; no amino-acid change (valine 429 retained).
Molecular consequence: synonymous variant.
Genome position (GRCh38, 1-based): chr5:75,386,032, T>C on the plus strand (A>G on the coding strand, the complement: CERT1 is on the minus strand). VCF-style: chr5-75386032-T-C. GRCh37 (hg19) VCF-style: chr5-74681857-T-C.
Other names: c.1671A>G, p.Val557= (NM_001130105.1); c.1287A>G, p.Val429= (NM_001379002.1, NM_005713.3); c.1209A>G, p.Val403= (NM_001379003.1, NM_001379004.1, NM_031361.3).
Identifiers: ClinVar variation 718279 (VCV000718279.6), dbSNP rs148645687, ClinGen allele CA3309051.

ClinVar aggregate classification (germline): Likely benign. Review status: criteria provided, multiple submitters, no conflicts (2 of 4 stars). 3 submissions from 3 submitters: Likely benign (3). Last evaluated 2026-06-01.

Allele frequency attached by ClinVar (database versions not stated): ExAC 0.00014; gnomAD 0.00019; gnomAD exomes 0.00019 and 0.00035; ESP Exome Variant Server 0.00023; TOPMed 0.00027.
gnomAD v4.1: 497 of 1,527,666 alleles (0.033%); highest among the groups gnomAD compares: Non-Finnish European, 0.042%; no homozygotes.

Submissions (3):

CeGaT Center for Human Genetics Tuebingen
Classification: Likely benign. Last evaluated: 2026-06-01. Review status: criteria provided, single submitter. Criteria: CeGaT Center For Human Genetics Tuebingen Variant Classification Criteria Version 2. Collection method: clinical testing. Allele origin: germline. Affected: yes. Observed: 1 variant allele.
Comment: CERT1: BP4, BP7

Blueprint Genetics
Classification: Likely benign. Last evaluated: 2024-11-04. Review status: criteria provided, single submitter. Criteria: ACMG Guidelines, 2015. Collection method: clinical testing. Allele origin: germline.

Labcorp Genetics (formerly Invitae), Labcorp
Classification: Likely benign. Last evaluated: 2018-05-15. Review status: criteria provided, single submitter. Criteria: Invitae Variant Classification Sherloc (09022015). Collection method: clinical testing. Allele origin: germline.